The following is an entry in ClinVar:

ClinVar aggregate classification (germline): Conflicting classifications of pathogenicity. Review status: criteria provided, conflicting classifications (1 of 4 stars). 8 submissions from 8 submitters: Pathogenic (3); Likely pathogenic (4); Uncertain significance (1). Last evaluated 2026-09-23.

Conditions:
Hereditary pheochromocytoma and paraganglioma. Also called: Hereditary paragangliomas and pheochromocytomas; Hereditary pheochromocytoma-paraganglioma; Hereditary Paraganglioma-Pheochromocytoma Syndromes. Identifiers: Orphanet 29072, MedGen C4274332, MONDO:0017366.
Pheochromocytoma. Also called: MAX-Related Hereditary Paraganglioma-Pheochromocytoma Syndrome. Identifiers: Orphanet 29072, MedGen C0031511, MONDO:0008233, OMIM 171300, HP:0002666.
Hereditary cancer-predisposing syndrome. Also called: Hereditary neoplastic syndrome; Tumor predisposition; Neoplastic Syndromes, Hereditary; Hereditary Cancer Syndrome. Identifiers: Orphanet 140162, MedGen C0027672, MeSH D009386, MONDO:0015356.

Allele frequency attached by ClinVar (database versions not stated): TOPMed 0.00001; gnomAD exomes 0.00001 and below 0.00001; gnomAD 0.00003.
gnomAD v4.1: 11 of 1,614,038 alleles (0.00068%); highest among the groups gnomAD compares: African/African-American, 0.0013%; no homozygotes.

Submissions (8):

GeneDx
Classification: Likely pathogenic. Last evaluated: 2026-09-23. Review status: criteria provided, single submitter. Criteria: GeneDx Variant Classification Process June 2021. Collection method: clinical testing. Allele origin: germline.
Comment: Observed in individuals with endometrial cancer, leukemia, mesothelioma, and basal cell carcinoma (PMID: 29625052, 30113886, 34308104, 29847298); Nonsense variant predicted to result in protein truncation, as the last 84 amino acid(s) are lost, and other loss-of-function variants have been reported downstream in HGMD; Not observed at significant frequency in large population cohorts (gnomAD); This variant is associated with the following publications: (PMID: 33051659, 29625052, 30113886, 28384794, 34308104, 36451132, 37556141, 40974092, 26960314, 29847298)

Labcorp Genetics (formerly Invitae), Labcorp
Classification: Pathogenic for Hereditary pheochromocytoma and paraganglioma. Last evaluated: 2025-12-30. Review status: criteria provided, single submitter. Criteria: Invitae Variant Classification Sherloc (09022015). Collection method: clinical testing. Allele origin: germline.
Comment: This sequence change creates a premature translational stop signal (p.Leu155*) in the TMEM127 gene. While this is not anticipated to result in nonsense mediated decay, it is expected to disrupt the last 84 amino acid(s) of the TMEM127 protein. This variant is present in population databases (no rsID available, gnomAD 0.004%). This premature translational stop signal has been observed in individual(s) with pheochromocytoma and paraganglioma (PMID: 26960314; internal data). ClinVar contains an entry for this variant (Variation ID: 265271). RNA analysis performed to evaluate the impact of this premature translational stop signal on mRNA splicing indicates it does not significantly alter splicing (internal data). This variant disrupts a region of the TMEM127 protein in which other variant(s) (p.Gln159*) have been determined to be pathogenic (PMID: 22419703; internal data). This suggests that this is a clinically significant region of the protein, and that variants that disrupt it are likely to be disease-causing. For these reasons, this variant has been classified as Pathogenic.

Ambry Genetics
Classification: Likely pathogenic for Hereditary cancer-predisposing syndrome. Last evaluated: 2025-09-11. Review status: criteria provided, single submitter. Criteria: Ambry Variant Classification Scheme 2023. Collection method: clinical testing. Allele origin: germline.
Comment: The p.L155* variant (also known as c.464T>A), located in coding exon 3 of the TMEM127 gene, results from a T to A substitution at nucleotide position 464. This changes the amino acid from a leucine to a stop codon within coding exon 3. This variant was reported in multiple individuals with a personal history of pheochromocytoma (Pat&oacute;cs A et al. Pathol. Oncol. Res. 2016 Oct;22:673-9; Ambry internal data). This alteration is expected to result in loss of function by premature protein truncation or nonsense-mediated mRNA decay. Based on the majority of available evidence to date, this variant is likely to be pathogenic.

Mayo Clinic Laboratories, Mayo Clinic
Classification: Likely pathogenic. Last evaluated: 2025-08-04. Review status: criteria provided, single submitter. Criteria: ACMG Guidelines, 2015. Collection method: clinical testing. Allele origin: germline. Observed: 1 variant allele.
Comment: PP4, PM2_supporting, PVS1_strong

Quest Diagnostics Nichols Institute San Juan Capistrano
Classification: Uncertain significance. Last evaluated: 2025-04-11. Review status: criteria provided, single submitter. Criteria: Quest Diagnostics criteria. Collection method: clinical testing. Allele origin: unknown.
Comment: The TMEM127 c.464T>A (p.Leu155*) variant is predicted to cause the premature termination of TMEM127 protein synthesis. This variant has been reported in the published literature in individuals affected with malignant mesothelioma (PMID: 30113886 (2018)), endometrioid endometrial adenocarcinoma (PMID: 29625052 (2018)), and pheochromocytoma (PMID: 26960314 (2016)). The frequency of this variant in the general population (Genome Aggregation Database) is uninformative in the assessment of its pathogenicity. Based on the available information, we are unable to determine the clinical significance of this variant.

Baylor Genetics
Classification: Pathogenic for Pheochromocytoma. Last evaluated: 2024-02-05. Review status: criteria provided, single submitter. Criteria: ACMG Guidelines, 2015. Collection method: clinical testing. Allele origin: unknown.

Sema4
Classification: Likely pathogenic for Hereditary cancer-predisposing syndrome. Last evaluated: 2021-12-11. Review status: criteria provided, single submitter. Criteria: Sema4 Curation Guidelines. Collection method: curation. Allele origin: germline.
Comment: The TMEM127 c.464T>A (p.L155X) variant has been reported in heterozygosity in at least one individual with bilateral pheochromocytoma and intra-abdominal and head/neck paragangliomas (PMID: 26960314). It was also reported in two patients with endometrial cancer, melanoma, and/or mesothelioma (PMID: 29625052, 30113886). This nonsense variant creates a premature stop codon at residue 155 of the TMEM127 protein. As this variant is not predicted to cause nonsense-mediated decay, the protein product is expected to be truncated. This variant was observed in 4/282850 chromosomes across all populations in the large and broad cohorts of the Genome Aggregation Database (PMID: 32461654). This variant has been reported in ClinVar (Variation ID: 265271). Based on the current evidence available, this variant is interpreted as likely pathogenic.

Division of Medical Genetics, University of Washington
Classification: Pathogenic for Pheochromocytoma. Last evaluated: 2019-02-12. Review status: criteria provided, single submitter. Criteria: ACMG Guidelines, 2015. Collection method: clinical testing. Allele origin: germline. Study: CSER_CHARM.
Comment: The c.464T>A variant causes the introduction of a premature termination codon which leads to a truncated protein. The c.464T>A variant has been reported in the literature in individuals with paraganglioma and pheochromocytoma [Patocs 2016]. This variant has an overall allele frequency of 0.00001 in the Genome Aggregation Database. Thus, this variant is considered pathogenic.

Literature cited by the submitters: PubMed 26960314 (cited by 5 submitters); PubMed 22419703 (cited by Labcorp Genetics (formerly Invitae), Labcorp and Quest Diagnostics Nichols Institute San Juan Capistrano); PubMed 30113886 (cited by Quest Diagnostics Nichols Institute San Juan Capistrano and Sema4); PubMed 29625052 (cited by Quest Diagnostics Nichols Institute San Juan Capistrano and Sema4).

NM_017849.4(TMEM127):c.464T>A (p.Leu155Ter)

Gene: TMEM127 (transmembrane protein 127; minus strand). Cytogenetic location: 2q11.2.
Variant type: single nucleotide variant.
Coding change: c.464T>A on transcript NM_017849.4 (MANE Select); coding-DNA position 464, T replaced by A.
Protein change: p.Leu155Ter; replaces leucine 155 with a stop codon.
Molecular consequence: nonsense.
Genome position (GRCh38, 1-based): chr2:96,254,061, A>T on the plus strand (T>A on the coding strand, the complement: TMEM127 is on the minus strand). VCF-style: chr2-96254061-A-T. GRCh37 (hg19) VCF-style: chr2-96919799-A-T.
Other names: p.Leu155*; c.464T>A, p.Leu155Ter (NM_001193304.3); short protein forms L155*.
Identifiers: ClinVar variation 265271 (VCV000265271.32), dbSNP rs886039439, ClinGen allele CA10588348.
Genomic context (GRCh38, chr2:96,254,061, plus strand): 5'-ACGGCGAAGGTGACATAGACCTGGGATCCATGGTACTTCTTATGCTGCTGCTGCTGGGCC[A>T]AGATGAGTTCAGAAGCCCAATAAGAAAAGCCAATGACGGTGGCACACTGCAGAACTAGGA-3'